The following is an entry in ClinVar:

ClinVar aggregate classification (germline): Benign. Review status: criteria provided, multiple submitters, no conflicts (2 of 4 stars). 4 submissions from 3 submitters: Benign (4). Last evaluated 2021-02-26.

Conditions:
Leukodystrophy, hypomyelinating, 6. Also called: LEUKODYSTROPHY, HYPOMYELINATING, WITH ATROPHY OF THE BASAL GANGLIA AND CEREBELLUM; TUBB4A-Associated Leukodystrophy; Hypomyelination with Atrophy of Basal Ganglia and Cerebellum (H-ABC). Identifiers: Orphanet 139441, MedGen C2676244, MONDO:0012905, OMIM 612438.
Torsion dystonia 4. Also called: DYT-TUBB4A (Autosomal Dominant Torsion Dystonia); DYSTONIA MUSCULORUM DEFORMANS 4. Identifiers: Orphanet 98805, MedGen C1851943, MONDO:0007493, OMIM 128101.

Allele frequency attached by ClinVar (database versions not stated): gnomAD exomes 0.00456; gnomAD 0.03323 and 0.03568; 1000 Genomes Project 0.03654; TOPMed 0.03744; 1000 Genomes Project 30x 0.03841.

Submissions (4):

GeneDx
Classification: Benign. Last evaluated: 2021-02-26. Review status: criteria provided, single submitter. Criteria: GeneDx Variant Classification Process June 2021. Collection method: clinical testing. Allele origin: germline. Affected: yes.
Comment: This variant is associated with the following publications: (PMID: 28171541)

Illumina Laboratory Services, Illumina
Classification: Benign for Leukodystrophy, hypomyelinating, 6. Last evaluated: 2017-04-27. Review status: criteria provided, single submitter. Criteria: ICSL Variant Classification Criteria 13 December 2019. Collection method: clinical testing. Allele origin: germline.
Comment: This variant was observed as part of a predisposition screen in an ostensibly healthy population. A literature search was performed for the gene, cDNA change, and amino acid change (where applicable). No publications were found based on this search. Allele frequency data from public databases was too high to be consistent with this variant causing disease. Therefore, this variant is classified as benign.

Illumina Laboratory Services, Illumina
Classification: Benign for Torsion dystonia 4. Last evaluated: 2017-04-27. Review status: criteria provided, single submitter. Criteria: ICSL Variant Classification Criteria 13 December 2019. Collection method: clinical testing. Allele origin: germline.
Comment: the same text as in the submission from Illumina Laboratory Services, Illumina above.

Breakthrough Genomics
Classification: Benign. Review status: criteria provided, single submitter. Criteria: ACMG Guidelines, 2015. Collection method: not provided. Allele origin: germline. Inheritance: Autosomal dominant inheritance. Affected: yes.

NM_006087.4(TUBB4A):c.*400G>A

Gene: TUBB4A (tubulin beta 4A class IVa; minus strand). Cytogenetic location: 19p13.3.
Variant type: single nucleotide variant.
Coding change: c.*400G>A on transcript NM_006087.4 (MANE Select); 400 bases downstream of the stop codon, G replaced by A.
Molecular consequence: 3 prime UTR variant.
Genome position (GRCh38, 1-based): chr19:6,494,764, C>T on the plus strand (G>A on the coding strand, the complement: TUBB4A is on the minus strand). VCF-style: chr19-6494764-C-T. GRCh37 (hg19) VCF-style: chr19-6494775-C-T.
Other names: c.*400G>A (NM_001289123.2, NM_001289127.2, NM_001289129.2 and 2 more transcripts).
Identifiers: ClinVar variation 330254 (VCV000330254.9), dbSNP rs8113500, ClinGen allele CA10652270.